The following is an entry in ClinVar:

NM_000751.3(CHRND):c.1391G>A (p.Arg464Gln)

Gene: CHRND (cholinergic receptor nicotinic delta subunit; plus strand). Cytogenetic location: 2q37.1.
Variant type: single nucleotide variant.
Coding change: c.1391G>A on transcript NM_000751.3 (MANE Select); coding-DNA position 1391, G replaced by A.
Protein change: p.Arg464Gln; replaces arginine 464 with glutamine.
Molecular consequence: missense variant.
Genome position (GRCh38, 1-based): chr2:232,535,149, G>A. VCF-style: chr2-232535149-G-A. GRCh37 (hg19) VCF-style: chr2-233399859-G-A.
Other names: c.1346G>A, p.Arg449Gln (NM_001256657.2); c.809G>A, p.Arg270Gln (NM_001311195.2); c.1088G>A, p.Arg363Gln (NM_001311196.2); short protein forms R270Q, R363Q, R449Q, R464Q.
Identifiers: ClinVar variation 663079 (VCV000663079.8), dbSNP rs1574638484, ClinGen allele CA351005927.

ClinVar aggregate classification (germline): Uncertain significance (1 of 4 stars; one submission).

Conditions:
Lethal multiple pterygium syndrome (LMPS). Identifiers: Orphanet 33108, MedGen C1854678, MONDO:0009668, OMIM 253290.

gnomAD v4.1: 6 of 1,614,150 alleles (0.00037%); highest among the groups gnomAD compares: East Asian, 0.0022%; no homozygotes.

Submission:

Labcorp Genetics (formerly Invitae), Labcorp
Classification: Uncertain significance for Lethal multiple pterygium syndrome. Last evaluated: 2025-04-24. Review status: criteria provided, single submitter. Criteria: Invitae Variant Classification Sherloc (09022015). Collection method: clinical testing. Allele origin: germline.
Comment: This sequence change replaces arginine, which is basic and polar, with glutamine, which is neutral and polar, at codon 464 of the CHRND protein (p.Arg464Gln). This variant is not present in population databases (gnomAD no frequency). This variant has not been reported in the literature in individuals affected with CHRND-related conditions. ClinVar contains an entry for this variant (Variation ID: 663079). Invitae Evidence Modeling of protein sequence and biophysical properties (such as structural, functional, and spatial information, amino acid conservation, physicochemical variation, residue mobility, and thermodynamic stability) indicates that this missense variant is not expected to disrupt CHRND protein function with a negative predictive value of 95%. In summary, the available evidence is currently insufficient to determine the role of this variant in disease. Therefore, it has been classified as a Variant of Uncertain Significance.